The following is an entry in ClinVar:

NM_025081.3(NYNRIN):c.3729G>C (p.Glu1243Asp)

Gene: NYNRIN (NYN domain and retroviral integrase containing; plus strand). Cytogenetic location: 14q12.
Variant type: single nucleotide variant.
Coding change: c.3729G>C on transcript NM_025081.3 (MANE Select); coding-DNA position 3729, G replaced by C.
Protein change: p.Glu1243Asp; replaces glutamic acid 1243 with aspartic acid.
Molecular consequence: missense variant.
Genome position (GRCh38, 1-based): chr14:24,415,478, G>C. VCF-style: chr14-24415478-G-C. GRCh37 (hg19) VCF-style: chr14-24884684-G-C.
Other names: short protein forms E1243D.
Identifiers: ClinVar variation 3631888 (VCV003631888.2).

ClinVar aggregate classification (germline): Uncertain significance (1 of 4 stars; one submission).

gnomAD v4.1: 38 of 1,613,772 alleles (0.0024%); highest among the groups gnomAD compares: Non-Finnish European, 0.0031%; no homozygotes.

Submission:

Labcorp Genetics (formerly Invitae), Labcorp
Classification: Uncertain significance. Last evaluated: 2026-01-04. Review status: criteria provided, single submitter. Criteria: Invitae Variant Classification Sherloc (09022015). Collection method: clinical testing. Allele origin: germline.
Comment: This sequence change replaces glutamic acid, which is acidic and polar, with aspartic acid, which is acidic and polar, at codon 1243 of the NYNRIN protein (p.Glu1243Asp). This variant is present in population databases (rs768081201, gnomAD 0.003%). This variant has not been reported in the literature in individuals affected with NYNRIN-related conditions. ClinVar contains an entry for this variant (Variation ID: 3631888). Experimental studies and prediction algorithms are not available or were not evaluated, and the functional significance of this variant is currently unknown. In summary, the available evidence is currently insufficient to determine the role of this variant in disease. Therefore, it has been classified as a Variant of Uncertain Significance.